The following is an entry in ClinVar:

ClinVar aggregate classification (germline): Conflicting classifications of pathogenicity. Review status: criteria provided, conflicting classifications (1 of 4 stars). 8 submissions from 8 submitters: Uncertain significance (5); Likely benign (1). 2 of the submissions do not count toward it. Last evaluated 2026-04-21.

Conditions:
Hereditary cancer-predisposing syndrome. Also called: Tumor predisposition; Neoplastic Syndromes, Hereditary; Hereditary Cancer Syndrome; Hereditary neoplastic syndrome. Identifiers: Orphanet 140162, MedGen C0027672, MeSH D009386, MONDO:0015356.
Hereditary breast ovarian cancer syndrome. Also called: Hereditary breast and ovarian cancer syndrome (HBOC); Hereditary breast and ovarian cancer; Hereditary breast and ovarian cancer syndrome; Hereditary breast and/or ovarian cancer syndrome; Breast and ovarian cancer; BRCA1- and BRCA2-Associated Hereditary Breast and Ovarian Cancer. Identifiers: Orphanet 145, MedGen C0677776, MeSH D061325, MONDO:0003582. Disease mechanism: loss of function.
Breast-ovarian cancer, familial, susceptibility to, 2 (BROVCA2). Also called: BRCA2 Hereditary Breast and Ovarian Cancer. Identifiers: Orphanet 145, MedGen C2675520, MONDO:0012933, OMIM 612555. Disease mechanism: loss of function.
Familial cancer of breast. Also called: Hereditary breast cancer; BREAST CANCER, FAMILIAL; hereditary breast carcinoma. Identifiers: Orphanet 227535, MedGen C0346153, MONDO:0016419, OMIM 114480. Disease mechanism: loss of function.

Submissions (8):

Women's Health and Genetics/Laboratory Corporation of America, LabCorp
Classification: Uncertain significance. Last evaluated: 2026-04-21. Review status: criteria provided, single submitter. Criteria: LabCorp Variant Classification Summary - May 2015. Collection method: clinical testing. Allele origin: germline.
Comment: Variant summary: BRCA2 c.5272_5274delAAT (p.Asn1758del) results in an in-frame deletion that is predicted to remove 1 amino acid from the encoded protein. The variant allele was found at a frequency of 2e-05 in 250330 control chromosomes. The available data on variant occurrences in the general population are insufficient to allow any conclusion about variant significance. c.5272_5274delAAT has been observed in individual(s) undergoing genetic testing for Hereditary Breast And Ovarian Cancer Syndrome (Jarhelle_2016, Castera_2014). These report(s) do not provide unequivocal conclusions about association of the variant with Hereditary Breast And Ovarian Cancer Syndrome. To our knowledge, no experimental evidence demonstrating an impact on protein function has been reported. The following publications have been ascertained in the context of this evaluation (PMID: 24549055, 27495310). ClinVar contains an entry for this variant (Variation ID: 185693). Based on the evidence outlined above, the variant was classified as uncertain significance.

Center for Genomic Medicine, Rigshospitalet, Copenhagen University Hospital
Classification: Likely benign. Last evaluated: 2025-03-04. Review status: criteria provided, single submitter. Criteria: ACMG Guidelines, 2015. Collection method: clinical testing. Allele origin: germline.

Color Diagnostics, LLC DBA Color Health
Classification: Uncertain significance for Hereditary cancer-predisposing syndrome. Last evaluated: 2024-05-22. Review status: criteria provided, single submitter. Criteria: ACMG Guidelines, 2015. Collection method: clinical testing. Allele origin: germline.
Comment: This variant causes an in-frame deletion of one amino acid at codon 1758 in the BRCA2 protein. To our knowledge, functional studies have not been reported for this variant. This variant has been detected in individuals with a personal or family history of breast and/or ovarian cancer (PMID: 24549055, 27495310). This variant has been identified in 6/281730 chromosomes in the general population by the Genome Aggregation Database (gnomAD). The available evidence is insufficient to determine the role of this variant in disease conclusively. Therefore, this variant is classified as a Variant of Uncertain Significance.

Labcorp Genetics (formerly Invitae), Labcorp
Classification: Uncertain significance for Hereditary breast ovarian cancer syndrome. Last evaluated: 2024-02-06. Review status: criteria provided, single submitter. Criteria: Invitae Variant Classification Sherloc (09022015). Collection method: clinical testing. Allele origin: germline.
Comment: This variant, c.5272_5274del, results in the deletion of 1 amino acid(s) of the BRCA2 protein (p.Asn1758del), but otherwise preserves the integrity of the reading frame. This variant is present in population databases (rs587780655, gnomAD 0.004%). This variant has been observed in individual(s) with breast or ovarian cancer (PMID: 24549055, 27495310). ClinVar contains an entry for this variant (Variation ID: 185693). Experimental studies and prediction algorithms are not available or were not evaluated, and the functional significance of this variant is currently unknown. In summary, the available evidence is currently insufficient to determine the role of this variant in disease. Therefore, it has been classified as a Variant of Uncertain Significance.

Baylor Genetics
Classification: Uncertain significance for Familial cancer of breast. Last evaluated: 2024-01-03. Review status: criteria provided, single submitter. Criteria: ACMG Guidelines, 2015. Collection method: clinical testing. Allele origin: unknown.

Ambry Genetics
Classification: Uncertain significance for Hereditary cancer-predisposing syndrome. Last evaluated: 2023-02-24. Review status: criteria provided, single submitter. Criteria: Ambry Variant Classification Scheme 2023. Collection method: clinical testing. Allele origin: germline.
Comment: The c.5272_5274delAAT variant (also known as p.N1758del) is located in coding exon 10 of the BRCA2 gene. This variant results from an in-frame AAT deletion at nucleotide positions 5272 to 5274. This results in the in-frame deletion of an asparagine at codon 1758. This alteration has been identified, in conjunction with a BRCA1 deletion, in one patient from a cohort of high-risk breast/ovarian cancer patients (Cast&eacute;ra L et al. Eur J Hum Genet, 2014 Nov;22:1305-13). This amino acid position is not well conserved in available vertebrate species. In addition, this alteration is predicted to be deleterious by in silico analysis (Choi Y et al. PLoS ONE. 2012; 7(10):e46688). Since supporting evidence is limited at this time, the clinical significance of this alteration remains unclear.

BRCAlab, Lund University
Classification: Uncertain significance for Breast-ovarian cancer, familial, susceptibility to, 2. Last evaluated: 2020-03-02. Review status: no assertion criteria provided. Collection method: clinical testing. Allele origin: germline. Affected: yes. Not counted in ClinVar's aggregate classification.

Department of Medical Genetics, University Hospital of North Norway
Classification: Uncertain significance for Breast-ovarian cancer, familial, susceptibility to, 2. Last evaluated: 2016-05-01. Review status: no assertion criteria provided. Collection method: clinical testing. Allele origin: germline. Affected: yes. Observed: 1 variant allele. Not counted in ClinVar's aggregate classification.

Literature cited by the submitters: PubMed 24549055 (cited by 5 submitters); PubMed 27495310 (cited by 5 submitters).

NM_000059.4(BRCA2):c.5272_5274del (p.Asn1758del)

Gene: BRCA2 (BRCA2 DNA repair associated; plus strand). Cytogenetic location: 13q13.1.
Variant type: Deletion.
Coding change: c.5272_5274del on transcript NM_000059.4 (MANE Select); coding-DNA positions 5272 to 5274, 3 bases deleted (AAT; older notation c.5272_5274delAAT).
Protein change: p.Asn1758del; deletes asparagine 1758.
Molecular consequence: inframe deletion.
Genome position (GRCh38, 1-based): chr13:32,339,627-32,339,629, AAT deleted; deleting any 3 consecutive bases within chr13:32,339,625-32,339,629 gives the same sequence; the c. name uses the placement nearest the transcript's 3' end. VCF-style (leftmost placement, unchanged base first): chr13-32339624-TATA-T. GRCh37 (hg19) VCF-style: chr13-32913761-TATA-T.
Other names: c.5272_5274delAAT (NM_000059.4, NM_000059.3).
Identifiers: ClinVar variation 185693 (VCV000185693.23), dbSNP rs587780655, ClinGen allele CA021899.